The following is an entry in ClinVar:

ClinVar aggregate classification (germline): Conflicting classifications of pathogenicity. Review status: criteria provided, conflicting classifications (1 of 4 stars). 2 submissions from 2 submitters: Likely pathogenic (1); Uncertain significance (1). Last evaluated 2025-01-01.

Conditions:
Spinocerebellar ataxia type 29 (SCA29). Also called: CEREBELLAR ATAXIA, CONGENITAL NONPROGRESSIVE, AUTOSOMAL DOMINANT; Spinocerebellar ataxia 29, congenital nonprogressive. Identifiers: Orphanet 208513, MedGen C1861732, MONDO:0007298, OMIM 117360.

Submissions (2):

Center of Human Genetics, Hôpital Erasme
Classification: Likely pathogenic for Spinocerebellar ataxia type 29. Last evaluated: 2025-01-01. Review status: criteria provided, single submitter. Criteria: ACMG Guidelines, 2015. Collection method: clinical testing. Allele origin: de novo. Affected: yes.

Labcorp Genetics (formerly Invitae), Labcorp
Classification: Uncertain significance. Last evaluated: 2024-02-16. Review status: criteria provided, single submitter. Criteria: Invitae Variant Classification Sherloc (09022015). Collection method: clinical testing. Allele origin: germline.
Comment: This sequence change replaces threonine, which is neutral and polar, with lysine, which is basic and polar, at codon 1645 of the ITPR1 protein (p.Thr1645Lys). This variant is not present in population databases (gnomAD no frequency). This variant has not been reported in the literature in individuals affected with ITPR1-related conditions. ClinVar contains an entry for this variant (Variation ID: 1468074). Advanced modeling of protein sequence and biophysical properties (such as structural, functional, and spatial information, amino acid conservation, physicochemical variation, residue mobility, and thermodynamic stability) has been performed at Invitae for this missense variant, however the output from this modeling did not meet the statistical confidence thresholds required to predict the impact of this variant on ITPR1 protein function. In summary, the available evidence is currently insufficient to determine the role of this variant in disease. Therefore, it has been classified as a Variant of Uncertain Significance.

NM_001378452.1(ITPR1):c.5006C>A (p.Thr1669Lys)

Genes: BRRIAR (BHLHE40 and RIG-I regulating ITPR1 antisense RNA; minus strand), ITPR1 (inositol 1,4,5-trisphosphate receptor type 1; plus strand). Cytogenetic location: 3p26.1.
Variant type: single nucleotide variant.
Coding change: c.5006C>A on transcript NM_001378452.1 (MANE Select); coding-DNA position 5006, C replaced by A.
Protein change: p.Thr1669Lys; replaces threonine 1669 with lysine.
Molecular consequence: missense variant.
Genome position (GRCh38, 1-based): chr3:4,711,771, C>A. VCF-style: chr3-4711771-C-A. GRCh37 (hg19) VCF-style: chr3-4753455-C-A.
Other names: c.4979C>A, p.Thr1660Lys (NM_001099952.4); c.4961C>A, p.Thr1654Lys (NM_001168272.2); c.4934C>A, p.Thr1645Lys (NM_002222.7); short protein forms T1660K, T1669K, T1645K, T1654K.
Identifiers: ClinVar variation 1468074 (VCV001468074.9), dbSNP rs2125283014, ClinGen allele CA351636481.